The following is an entry in ClinVar:

NM_015375.3(DSTYK):c.2700C>T (p.Gly900=)

Gene: DSTYK (dual serine/threonine and tyrosine protein kinase; minus strand). Cytogenetic location: 1q32.1.
Variant type: single nucleotide variant.
Coding change: c.2700C>T on transcript NM_015375.3 (MANE Select); coding-DNA position 2700, C replaced by T.
Protein change: p.Gly900=; no amino-acid change (glycine 900 retained).
Molecular consequence: synonymous variant.
Genome position (GRCh38, 1-based): chr1:205,147,648, G>A on the plus strand (C>T on the coding strand, the complement: DSTYK is on the minus strand). VCF-style: chr1-205147648-G-A. GRCh37 (hg19) VCF-style: chr1-205116776-G-A.
Other names: c.2565C>T, p.Gly855= (NM_199462.3).
Identifiers: ClinVar variation 3061210 (VCV003061210.2), dbSNP rs774879238, ClinGen allele CA1352522.
Genomic context (GRCh38, chr1:205,147,648, plus strand): 5'-CTGCTCAGAATTGGACTTGCAGAGCCGATTCATGATGCCCTGGAGCATGGGCTGGACAAT[G>A]CCCAAGAGAGGCCTCTTCAAGGGGTCGCCATCCCAACAGGCTTCCATCAACTGCCAGCAC-3'
Protein context (NP_056190.1, residues 890-910): DGDPLKRPLL[Gly900=]IVQPMLQGIM

ClinVar aggregate classification (germline): Uncertain significance (0 of 4 stars; one submission).

Conditions:
DSTYK-related disorder. Also called: DSTYK-related condition.

Allele frequency attached by ClinVar (database versions not stated): TOPMed below 0.00001; ExAC 0.00001; gnomAD 0.00001.
gnomAD v4.1: 2 of 1,614,066 alleles (0.00012%); highest among the groups gnomAD compares: Non-Finnish European, 0.000085%; no homozygotes.

Submission:

PreventionGenetics, part of Exact Sciences
Classification: Uncertain significance for DSTYK-related condition. Last evaluated: 2024-02-14. Review status: no assertion criteria provided. Collection method: clinical testing. Allele origin: germline.
Comment: The DSTYK c.2700C>T variant is not predicted to result in an amino acid change (p.=). To our knowledge, this variant has not been reported in the literature. This variant is reported in 0.00088% of alleles in individuals of European (Non-Finnish) descent in gnomAD. At this time, the clinical significance of this variant is uncertain due to the absence of conclusive functional and genetic evidence.